The following is an entry in ClinVar:

ClinVar aggregate classification (germline): Likely pathogenic (1 of 4 stars; one submission).

Conditions:
Usher syndrome type 2A. Also called: RETINAL DISEASE IN USHER SYNDROME TYPE IIA, MODIFIER OF; USHER SYNDROME, TYPE IIA. Identifiers: Orphanet 231178, Orphanet 886, MedGen C1848634, MONDO:0010169, OMIM 276901.

Submission:

Natera, Inc.
Classification: Likely pathogenic for Usher syndrome type 2A. Last evaluated: 2025-10-24. Review status: criteria provided, single submitter. Criteria: Natera Variant Classification Schema (03/2026). Collection method: clinical testing. Allele origin: germline.
Comment: The c.1061G>A variant in USH2A is a nonsense variant predicted to introduce a stop codon at amino acid 354. This variant is expected to result in nonsense mediated decay, truncation, or a dysfunctional protein product. This variant is rare in the general population with a frequency below the threshold expected for the associated phenotype(s). Given the available evidence, this variant is classified as Likely Pathogenic.

NM_206933.4(USH2A):c.1061G>A (p.Trp354Ter)

Gene: USH2A (usherin; minus strand). Cytogenetic location: 1q41.
Variant type: single nucleotide variant.
Coding change: c.1061G>A on transcript NM_206933.4 (MANE Select); coding-DNA position 1061, G replaced by A.
Protein change: p.Trp354Ter; replaces tryptophan 354 with a stop codon.
Molecular consequence: nonsense.
Genome position (GRCh38, 1-based): chr1:216,325,387, C>T on the plus strand (G>A on the coding strand, the complement: USH2A is on the minus strand). VCF-style: chr1-216325387-C-T. GRCh37 (hg19) VCF-style: chr1-216498729-C-T.
Other names: c.1061G>A, p.Trp354Ter (NM_007123.6); short protein forms W354*.
Identifiers: ClinVar variation 4817072 (VCV004817072.1).
Genomic context (GRCh38, chr1:216,325,387, plus strand): 5'-TCAACTGAAATAGTCACTCCTTGATTAAGCTGTGTAATGTTTGTAAACACATTTGAAACC[C>T]ATGAAGTACCAACATCATTATCATTGACAAAAGAGAGAGGATGGGCTTCAGGATTCAACC-3'